The following is an entry in ClinVar:

NM_000264.5(PTCH1):c.2723_2724del (p.Val908fs)

Gene: PTCH1 (patched 1; minus strand). Cytogenetic location: 9q22.32.
Variant type: Deletion.
Coding change: c.2723_2724del on transcript NM_000264.5 (MANE Select); coding-DNA positions 2723 to 2724, 2 bases deleted (TG; older notation c.2723_2724delTG).
Protein change: p.Val908fs; shifts the reading frame from valine 908.
Molecular consequence: frameshift variant. On other transcripts: non-coding transcript variant (1).
Genome position (GRCh38, 1-based): chr9:95,459,763-95,459,764, CA deleted on the plus strand (TG on the coding strand, the reverse complement: PTCH1 is on the minus strand); deleting any 2 consecutive bases within chr9:95,459,763-95,459,765 gives the same sequence; the c. name uses the placement nearest the transcript's 3' end. VCF-style (leftmost placement, unchanged base first): chr9-95459762-CCA-C. GRCh37 (hg19) VCF-style: chr9-98222044-CCA-C.
Other names: c.2270_2271del, p.Val757fs (NM_001083605.3, NM_001083606.3, NM_001083607.3 and 1 more transcripts); c.2567_2568del, p.Val856fs (NM_001354918.2); c.2525_2526del, p.Val842fs (NM_001083602.3); c.2720_2721del, p.Val907fs (NM_001083603.3); short protein forms V907fs, V908fs, V842fs, V856fs, V757fs.
Identifiers: ClinVar variation 843674 (VCV000843674.8), dbSNP rs1839298779, ClinGen allele CA916081545.

ClinVar aggregate classification (germline): Pathogenic (1 of 4 stars; one submission).

Conditions:
Gorlin syndrome. Also called: Nevoid Basal Cell Carcinoma Syndrome; Basal cell nevus syndrome. Identifiers: Orphanet 377, MedGen C0004779, MONDO:0007187.

Submission:

Labcorp Genetics (formerly Invitae), Labcorp
Classification: Pathogenic for Gorlin syndrome. Last evaluated: 2019-01-29. Review status: criteria provided, single submitter. Criteria: Invitae Variant Classification Sherloc (09022015). Collection method: clinical testing. Allele origin: germline.
Comment: This sequence change creates a premature translational stop signal (p.Val908Glyfs*7) in the PTCH1 gene. It is expected to result in an absent or disrupted protein product. For these reasons, this variant has been classified as Pathogenic. Loss-of-function variants in PTCH1 are known to be pathogenic (PMID: 16301862, 16419085). This variant has not been reported in the literature in individuals with PTCH1-related conditions. This variant is not present in population databases (ExAC no frequency).

Literature cited by the submitters: PubMed 16301862; PubMed 16419085.